The following is an entry in ClinVar:

ClinVar aggregate classification (germline): Benign/Likely benign. Review status: criteria provided, multiple submitters, no conflicts (2 of 4 stars). 5 submissions from 5 submitters: Benign (1); Likely benign (4). Last evaluated 2026-03-20.

Conditions:
Cardiovascular phenotype. Identifiers: MedGen CN230736.
Long QT syndrome (LQTS). Identifiers: MedGen C0023976, MeSH D008133, MONDO:0002442. Disease mechanism: loss of function. Inheritance: Various modes of inheritance.

Allele frequency attached by ClinVar (database versions not stated): gnomAD exomes 0.00010; ExAC 0.00011; gnomAD 0.00011; TOPMed 0.00011.
gnomAD v4.1: 189 of 1,613,172 alleles (0.012%); highest among the groups gnomAD compares: South Asian, 0.013%; no homozygotes.

Submissions (5):

Women's Health and Genetics/Laboratory Corporation of America, LabCorp
Classification: Benign. Last evaluated: 2026-03-20. Review status: criteria provided, single submitter. Criteria: LabCorp Variant Classification Summary - May 2015. Collection method: clinical testing. Allele origin: germline.

Labcorp Genetics (formerly Invitae), Labcorp
Classification: Likely benign for Long QT syndrome. Last evaluated: 2026-01-19. Review status: criteria provided, single submitter. Criteria: Invitae Variant Classification Sherloc (09022015). Collection method: clinical testing. Allele origin: germline.

CeGaT Center for Human Genetics Tuebingen
Classification: Likely benign. Last evaluated: 2023-01-01. Review status: criteria provided, single submitter. Criteria: CeGaT Center For Human Genetics Tuebingen Variant Classification Criteria Version 2. Collection method: clinical testing. Allele origin: germline. Affected: yes. Observed: 1 variant allele.
Comment: ANK2: BP4, BP7

GeneDx
Classification: Likely benign. Last evaluated: 2021-08-26. Review status: criteria provided, single submitter. Criteria: GeneDx Variant Classification Process June 2021. Collection method: clinical testing. Allele origin: germline. Affected: yes.

Ambry Genetics
Classification: Likely benign for Cardiovascular phenotype. Last evaluated: 2019-09-10. Review status: criteria provided, single submitter. Criteria: Ambry Variant Classification Scheme 2023. Collection method: clinical testing. Allele origin: germline.

NM_001148.6(ANK2):c.9690G>A (p.Thr3230=)

Gene: ANK2 (ankyrin 2; plus strand). Cytogenetic location: 4q26.
Variant type: single nucleotide variant.
Coding change: c.9690G>A on transcript NM_001148.6 (MANE Select); coding-DNA position 9690, G replaced by A.
Protein change: p.Thr3230=; no amino-acid change (threonine 3230 retained).
Molecular consequence: synonymous variant. On other transcripts: intron variant (68).
Genome position (GRCh38, 1-based): chr4:113,358,308, G>A. VCF-style: chr4-113358308-G-A. GRCh37 (hg19) VCF-style: chr4-114279464-G-A.
Other names: c.9456G>A, p.Thr3152= (NM_001386142.1); c.6090G>A, p.Thr2030= (NM_001386166.1); c.9831G>A, p.Thr3277= (NM_001386174.1); c.9807G>A, p.Thr3269= (NM_001386175.1); c.4412-2515G>A (NM_001386186.2, NM_001386148.2); c.4214-2515G>A (NM_001354269.3); c.4292-2515G>A (NM_001386187.2); c.4253-2515G>A (NM_001386147.1); and 35 more.
Identifiers: ClinVar variation 511961 (VCV000511961.36), dbSNP rs755430079, ClinGen allele CA3051969.
Genomic context (GRCh38, chr4:113,358,308, plus strand): 5'-TGAAACACCTACAAAAGAAGCTGTTAGTGTAGGGACCAAGGACCTCCCCACCGTGCAAAC[G>A]GGTGATATACCTCCTCTCTCTGGTGTAAAGCAGATATCCTGCCCCGACTCTTCTGAACCA-3'
Protein context (NP_001139.3, residues 3220-3240): VGTKDLPTVQ[Thr3230=]GDIPPLSGVK